The following is an entry in ClinVar:

NM_001673.5(ASNS):c.1A>G (p.Met1Val)

Genes: ASNS (asparagine synthetase (glutamine-hydrolyzing); minus strand), CZ1P-ASNS (CZ1P-ASNS readthrough; minus strand). Cytogenetic location: 7q21.3.
Variant type: single nucleotide variant.
Coding change: c.1A>G on transcript NM_001673.5 (MANE Select); coding-DNA position 1, A replaced by G.
Protein change: p.Met1Val; changes the start codon (methionine 1).
Molecular consequence: missense variant, initiator codon variant. On other transcripts: intron variant (3), non-coding transcript variant (1).
Genome position (GRCh38, 1-based): chr7:97,869,156, T>C on the plus strand (A>G on the coding strand, the complement: ASNS is on the minus strand). VCF-style: chr7-97869156-T-C. GRCh37 (hg19) VCF-style: chr7-97498468-T-C.
Other names: c.1A>G, p.Met1Val (NM_001352496.2, NM_133436.3, NM_183356.4); c.-1+3195A>G (NM_001178076.2); c.-12-51A>G (NM_001178075.2); c.-1+2885A>G (NM_001178077.1); short protein forms M1V.
Identifiers: ClinVar variation 1066640 (VCV001066640.10), dbSNP rs2115755676, ClinGen allele CA368274643.
Genomic context (GRCh38, chr7:97,869,156, plus strand): 5'-CACTCAGACACTGAACAGAAAGGCAATCATCACTGCCAAACAGCGCCCAAATGCCACACA[T>C]GGTGCAATGAAGCTATAAGCTTTCTATGGAGAGAAAAGCAGACAAATCAAAAATATTCAA-3'
Protein context (NP_001664.3, residues 1-11): [Met1Val]CGIWALFGSD

ClinVar aggregate classification (germline): Likely pathogenic. Review status: criteria provided, single submitter (1 of 4 stars). 2 submissions from 2 submitters: Likely pathogenic (1). 1 of the submissions does not count toward it. Last evaluated 2020-10-27.

Conditions:
Congenital microcephaly - severe encephalopathy - progressive cerebral atrophy syndrome. Also called: ASNS DEFICIENCY; Asparagine synthetase deficiency. Identifiers: Orphanet 391376, MedGen C3809971, MONDO:0014258, OMIM 615574.

Allele frequency attached by ClinVar (database versions not stated): gnomAD exomes 0.00001.

Submissions (2):

Labcorp Genetics (formerly Invitae), Labcorp
Classification: Likely pathogenic. Last evaluated: 2020-10-27. Review status: criteria provided, single submitter. Criteria: Invitae Variant Classification Sherloc (09022015). Collection method: clinical testing. Allele origin: germline.
Comment: This variant is not present in population databases (ExAC no frequency). In summary, the currently available evidence indicates that the variant is pathogenic, but additional data are needed to prove that conclusively. Therefore, this variant has been classified as Likely Pathogenic. This variant disrupts the p.Ala6 amino acid residue in ASNS. Other variant(s) that disrupt this residue have been determined to be pathogenic (PMID: 24139043). This suggests that this residue is clinically significant, and that variants that disrupt this residue are likely to be disease-causing. Algorithms developed to predict the effect of sequence changes on RNA splicing suggest that this variant may create or strengthen a splice site, but this prediction has not been confirmed by published transcriptional studies. This variant has not been reported in the literature in individuals with ASNS-related conditions. This sequence change affects the initiator methionine of the ASNS mRNA. The next in-frame methionine is located at codon 22.

Natera, Inc.
Classification: Likely pathogenic for Asparagine synthetase deficiency. Last evaluated: 2020-12-10. Review status: no assertion criteria provided. Collection method: clinical testing. Allele origin: germline. Not counted in ClinVar's aggregate classification.

Literature cited by the submitters: PubMed 24139043 (cited by Labcorp Genetics (formerly Invitae), Labcorp).